The following is an entry in ClinVar:

NM_001110219.3(GJB6):c.480G>A (p.Gly160=)

Gene: GJB6 (gap junction protein beta 6; minus strand). Cytogenetic location: 13q12.11.
Variant type: single nucleotide variant.
Coding change: c.480G>A on transcript NM_001110219.3 (MANE Select); coding-DNA position 480, G replaced by A.
Protein change: p.Gly160=; no amino-acid change (glycine 160 retained).
Molecular consequence: synonymous variant.
Genome position (GRCh38, 1-based): chr13:20,223,001, C>T on the plus strand (G>A on the coding strand, the complement: GJB6 is on the minus strand). VCF-style: chr13-20223001-C-T. GRCh37 (hg19) VCF-style: chr13-20797140-C-T.
Other names: c.480G>A, p.Gly160= (NM_001110220.3, NM_001110221.3, NM_001370090.1 and 3 more transcripts).
Identifiers: ClinVar variation 881194 (VCV000881194.10), dbSNP rs145762940, ClinGen allele CA6904431.

ClinVar aggregate classification (germline): Benign/Likely benign. Review status: criteria provided, multiple submitters, no conflicts (2 of 4 stars). 4 submissions from 4 submitters: Benign (1); Likely benign (3). Last evaluated 2024-12-26.

Conditions:
Autosomal recessive nonsyndromic hearing loss 1B. Also called: DEAFNESS, AUTOSOMAL RECESSIVE 1B. Identifiers: Orphanet 90636, MedGen C2675235, MONDO:0012977, OMIM 612645.
Autosomal dominant nonsyndromic hearing loss 3B. Identifiers: Orphanet 90635, MedGen C2675237, MONDO:0012975, OMIM 612643.
Autosomal recessive nonsyndromic hearing loss 1A (DFNB1A). Also called: Deafness, autosomal recessive 1A; Connexin 26 deafness; Deafness nonsyndromic, Connexin 26 linked; GJB6-Related DFNB 1 Nonsyndromic Hearing Loss and Deafness; Nonsyndromic Hearing Loss and Deafness, DFNB1; GJB2-Related Autosomal Recessive Nonsyndromic Hearing Loss. Identifiers: Orphanet 90636, MedGen C2673759, MONDO:0009076, OMIM 220290.
Hidrotic ectodermal dysplasia syndrome (GJB6). Also called: Ectodermal dysplasia 2, hidrotic; Autosomal dominant hidrotic ectodermal dysplasia; Clouston syndrome; Clouston's hidrotic ectodermal dysplasia; ECTODERMAL DYSPLASIA 2, CLOUSTON TYPE; CLOUSTON HIDROTIC ECTODERMAL DYSPLASIA. Identifiers: Orphanet 189, MedGen C0162361, MONDO:0007510, OMIM 129500.

Allele frequency attached by ClinVar (database versions not stated): ExAC 0.00007; ESP Exome Variant Server 0.00015; gnomAD 0.00020 and 0.00021; TOPMed 0.00022; 1000 Genomes Project 30x 0.00031; 1000 Genomes Project 0.00040.
gnomAD v4.1: 57 of 1,614,050 alleles (0.0035%); highest among the groups gnomAD compares: African/African-American, 0.065%; no homozygotes.

Submissions (4):

Labcorp Genetics (formerly Invitae), Labcorp
Classification: Likely benign for Autosomal dominant nonsyndromic hearing loss 3B; Hidrotic ectodermal dysplasia syndrome; Autosomal recessive nonsyndromic hearing loss 1B; Autosomal recessive nonsyndromic hearing loss 1A. Last evaluated: 2024-12-26. Review status: criteria provided, single submitter. Criteria: Invitae Variant Classification Sherloc (09022015). Collection method: clinical testing. Allele origin: germline.

GeneDx
Classification: Likely benign. Last evaluated: 2021-04-19. Review status: criteria provided, single submitter. Criteria: GeneDx Variant Classification Process June 2021. Collection method: clinical testing. Allele origin: germline. Affected: yes.
Comment: This variant is associated with the following publications: (PMID: 26046157)

Blueprint Genetics
Classification: Likely benign. Last evaluated: 2018-12-06. Review status: criteria provided, single submitter. Criteria: ACMG Guidelines, 2015. Collection method: clinical testing. Allele origin: germline.

Illumina Laboratory Services, Illumina
Classification: Benign for Hidrotic ectodermal dysplasia syndrome. Last evaluated: 2017-04-28. Review status: criteria provided, single submitter. Criteria: ICSL Variant Classification Criteria 13 December 2019. Collection method: clinical testing. Allele origin: germline.
Comment: This variant was observed as part of a predisposition screen in an ostensibly healthy population. A literature search was performed for the gene, cDNA change, and amino acid change (where applicable). No publications were found based on this search. Allele frequency data from public databases was too high to be consistent with this variant causing disease. Therefore, this variant is classified as benign.